The following is an entry in ClinVar:

NM_000038.6(APC):c.2229G>A (p.Met743Ile)

Gene: APC (APC regulator of Wnt signaling pathway; plus strand). Cytogenetic location: 5q22.2.
Variant type: single nucleotide variant.
Coding change: c.2229G>A on transcript NM_000038.6 (MANE Select); coding-DNA position 2229, G replaced by A.
Protein change: p.Met743Ile; replaces methionine 743 with isoleucine.
Molecular consequence: missense variant. On other transcripts: non-coding transcript variant (2).
Genome position (GRCh38, 1-based): chr5:112,837,823, G>A. VCF-style: chr5-112837823-G-A. GRCh37 (hg19) VCF-style: chr5-112173520-G-A.
Other names: c.2229G>A, p.Met743Ile (NM_001127510.3, NM_001354895.2, NM_001407450.1); c.2175G>A, p.Met725Ile (NM_001127511.3); c.2283G>A, p.Met761Ile (NM_001354896.2, NM_001407447.1, NM_001407448.1 and 1 more transcripts); c.2259G>A, p.Met753Ile (NM_001354897.2); c.2154G>A, p.Met718Ile (NM_001354898.2); c.2145G>A, p.Met715Ile (NM_001354899.2); c.2106G>A, p.Met702Ile (NM_001354900.2); c.2052G>A, p.Met684Ile (NM_001354901.2, NM_001407453.1); and 11 more; short protein forms M460I, M583I, M652I, M660I, M702I, M715I, M771I, M718I.
Identifiers: ClinVar variation 2699316 (VCV002699316.3), dbSNP rs2149863876, ClinGen allele CA16026216.

ClinVar aggregate classification (germline): Uncertain significance (1 of 4 stars; one submission).

Conditions:
Familial adenomatous polyposis 1 (FAP1). Also called: FAMILIAL ADENOMATOUS POLYPOSIS 1, ATTENUATED; POLYPOSIS, ADENOMATOUS INTESTINAL. Identifiers: MedGen C2713442, MONDO:0021056, OMIM 175100. Disease mechanism: loss of function.

Submission:

Labcorp Genetics (formerly Invitae), Labcorp
Classification: Uncertain significance for Familial adenomatous polyposis 1. Last evaluated: 2023-11-27. Review status: criteria provided, single submitter. Criteria: Invitae Variant Classification Sherloc (09022015). Collection method: clinical testing. Allele origin: germline.
Comment: This sequence change replaces methionine, which is neutral and non-polar, with isoleucine, which is neutral and non-polar, at codon 743 of the APC protein (p.Met743Ile). This variant is not present in population databases (gnomAD no frequency). This variant has not been reported in the literature in individuals affected with APC-related conditions. Advanced modeling of protein sequence and biophysical properties (such as structural, functional, and spatial information, amino acid conservation, physicochemical variation, residue mobility, and thermodynamic stability) performed at Invitae indicates that this missense variant is not expected to disrupt APC protein function with a negative predictive value of 95%. In summary, the available evidence is currently insufficient to determine the role of this variant in disease. Therefore, it has been classified as a Variant of Uncertain Significance.